The following is an entry in ClinVar:

NM_175914.5(HNF4A):c.199C>T (p.Arg67Trp)

Gene: HNF4A (hepatocyte nuclear factor 4 alpha; plus strand). Cytogenetic location: 20q13.12.
Variant type: single nucleotide variant.
Coding change: c.199C>T on transcript NM_175914.5 (MANE Select); coding-DNA position 199, C replaced by T.
Protein change: p.Arg67Trp; replaces arginine 67 with tryptophan.
Molecular consequence: missense variant.
Genome position (GRCh38, 1-based): chr20:44,406,207, C>T. VCF-style: chr20-44406207-C-T. GRCh37 (hg19) VCF-style: chr20-43034847-C-T.
Other names: NM_175914.5:c.199C>T; c.265C>T, p.Arg89Trp (NM_000457.6, NM_178849.3, NM_178850.3); c.199C>T, p.Arg67Trp (NM_001030003.3, NM_001030004.3); c.244C>T, p.Arg82Trp (NM_001258355.2); c.190C>T, p.Arg64Trp (NM_001287182.2, NM_001287183.2, NM_001287184.2); c.199C>T (NM_175914.3); short protein forms R64W, R82W, R89W, R67W.
Identifiers: ClinVar variation 2736967 (VCV002736967.5), dbSNP rs1176335599, ClinGen allele CA409103971.

ClinVar aggregate classification (germline): Pathogenic. Review status: reviewed by expert panel (3 of 4 stars). 3 submissions from 3 submitters: Pathogenic (1). 2 of the submissions do not count toward it. Last evaluated 2024-04-05.

Conditions:
Monogenic diabetes. Identifiers: Orphanet 183625, MedGen C3888631, MONDO:0015967.

Submissions (3):

ClinGen Monogenic Diabetes Variant Curation Expert Panel
Classification: Pathogenic for Monogenic diabetes. Last evaluated: 2024-04-05. Review status: reviewed by expert panel. Criteria: ClinGen Diabetes ACMG Specifications HNF4A V2.0.0. Collection method: curation. Allele origin: germline. Inheritance: Autosomal dominant inheritance.
Comment: The c.199C>T variant in the HNF4 homeobox A gene, HNF4A, causes an amino acid change of arginine to tryptophan at codon 67 (p.(Arg67Trp)) of NM_175914.5. This variant resides in an amino acid within the HNF4alpha DNA binding domain that directly binds DNA, which is defined as critical for the protein’s function by the ClinGen MDEP (PM1). It is also predicted to be deleterious by computational evidence, with a REVEL score of 0.925, which is greater than the MDEP VCEP threshold of 0.70 (PP3). This variant is absent in gnomAD v2.1.1 (PM2_Supporting), and was identified in 7 unrelated individuals with non-autoimmune and non-absolute/near-absolute insulin-deficient diabetes (PS4; PMID: 25555642, 20164212, internal lab contributors). One of these individuals has a clinical history highly specific for HNF4A-MODY (MODY probability calculator result >50%, negative genetic testing for HNF1A, and history of large for gestational age in the absence of sufficient maternal hyperglycemia) (PP4_Moderate; internal lab contributor). This variant segregated with diabetes/hyperglycemia, with 7 informative meioses in 3 families (PP1_Strong; PMID:20164212, internal lab contributors). Another missense variant, c.200G>A (p.(Arg67Gln)) has been interpreted as pathogenic by the ClinGen MDEP, and p.(Arg67Trp) has a greater Grantham distance (PM5). In summary, c.199C>T meets the criteria to be classified as pathogenic for monogenic diabetes. ACMG/AMP criteria applied, as specified by the ClinGen MDEP (specification version 2.0.0, approved 10/11/2023): PP1_Strong, PS4, PP4_Moderate, PM1, PM5, PP3, PM2_Supporting.

GeneDx
Classification: Pathogenic. Last evaluated: 2026-04-21. Review status: criteria provided, single submitter. Criteria: GeneDx Variant Classification Process June 2021. Collection method: clinical testing. Allele origin: germline. Not counted in ClinVar's aggregate classification.
Comment: Not observed at significant frequency in large population cohorts (gnomAD); In silico analysis supports that this missense variant has a deleterious effect on protein structure/function; This variant is associated with the following publications: (PMID: 25555642, 34789499, 36257325, 18356407, 20164212, 18829458)

Labcorp Genetics (formerly Invitae), Labcorp
Classification: Uncertain significance. Last evaluated: 2025-02-10. Review status: criteria provided, single submitter. Criteria: Invitae Variant Classification Sherloc (09022015). Collection method: clinical testing. Allele origin: germline. Not counted in ClinVar's aggregate classification.
Comment: This sequence change replaces arginine, which is basic and polar, with tryptophan, which is neutral and slightly polar, at codon 67 of the HNF4A protein (p.Arg67Trp). This variant is not present in population databases (gnomAD no frequency). This missense change has been observed in individual(s) with hyperinsulinism and/or maturity onset diabetes of the young (PMID: 18356407, 20164212, 34789499, 36257325). This variant is also known as p.R80W. ClinVar contains an entry for this variant (Variation ID: 2736967). Invitae Evidence Modeling of protein sequence and biophysical properties (such as structural, functional, and spatial information, amino acid conservation, physicochemical variation, residue mobility, and thermodynamic stability) has been performed for this missense variant. However, the output from this modeling did not meet the statistical confidence thresholds required to predict the impact of this variant on HNF4A protein function. This variant disrupts the p.Arg67 amino acid residue in HNF4A. Other variant(s) that disrupt this residue have been determined to be pathogenic (PMID: 21353246, 22662265, 29493090). This suggests that this residue is clinically significant, and that variants that disrupt this residue are likely to be disease-causing. In summary, the available evidence is currently insufficient to determine the role of this variant in disease. Therefore, it has been classified as a Variant of Uncertain Significance.

Literature cited by the submitters: PubMed 18356407 (cited by Labcorp Genetics (formerly Invitae), Labcorp); PubMed 20164212 (cited by Labcorp Genetics (formerly Invitae), Labcorp); PubMed 34789499 (cited by Labcorp Genetics (formerly Invitae), Labcorp); PubMed 36257325 (cited by Labcorp Genetics (formerly Invitae), Labcorp); PubMed 21353246 (cited by Labcorp Genetics (formerly Invitae), Labcorp); PubMed 22662265 (cited by Labcorp Genetics (formerly Invitae), Labcorp); PubMed 29493090 (cited by Labcorp Genetics (formerly Invitae), Labcorp).